The following is an entry in ClinVar:

ClinVar aggregate classification (germline): Conflicting classifications of pathogenicity. Review status: criteria provided, conflicting classifications (1 of 4 stars). 4 submissions from 4 submitters: Uncertain significance (1); Likely benign (2). 1 of the submissions does not count toward it. Last evaluated 2026-10-11.

Conditions:
ADCY5-related disorder. Also called: ADCY5-related condition.

Allele frequency attached by ClinVar (database versions not stated): ExAC below 0.00001; TOPMed 0.00074; gnomAD exomes 0.00078; gnomAD 0.00083 and 0.00084; 1000 Genomes Project 0.00100; 1000 Genomes Project 30x 0.00141.
gnomAD v4.1: 1,572 of 1,269,650 alleles (0.12%); highest among the groups gnomAD compares: Non-Finnish European, 0.15%; 3 homozygotes.

Submissions (4):

GeneDx
Classification: Uncertain significance. Last evaluated: 2026-10-11. Review status: criteria provided, single submitter. Criteria: GeneDx Variant Classification Process June 2021. Collection method: clinical testing. Allele origin: germline.
Comment: In silico analysis suggests that this missense variant does not alter protein structure/function; Has not been previously published as pathogenic or benign to our knowledge

CeGaT Center for Human Genetics Tuebingen
Classification: Likely benign. Last evaluated: 2026-07-01. Review status: criteria provided, single submitter. Criteria: CeGaT Center For Human Genetics Tuebingen Variant Classification Criteria Version 2. Collection method: clinical testing. Allele origin: germline. Affected: yes. Observed: 4 variant alleles.
Comment: ADCY5: BS1

Labcorp Genetics (formerly Invitae), Labcorp
Classification: Likely benign. Last evaluated: 2026-01-12. Review status: criteria provided, single submitter. Criteria: Invitae Variant Classification Sherloc (09022015). Collection method: clinical testing. Allele origin: germline.

PreventionGenetics, part of Exact Sciences
Classification: Likely benign for ADCY5-related condition. Last evaluated: 2022-04-11. Review status: no assertion criteria provided. Collection method: clinical testing. Allele origin: germline. Not counted in ClinVar's aggregate classification.
Comment: This variant is classified as likely benign based on ACMG/AMP sequence variant interpretation guidelines (Richards et al. 2015 PMID: 25741868, with internal and published modifications).

NM_183357.3(ADCY5):c.55G>A (p.Ala19Thr)

Gene: ADCY5 (adenylate cyclase 5; minus strand). Cytogenetic location: 3q21.1.
Variant type: single nucleotide variant.
Coding change: c.55G>A on transcript NM_183357.3 (MANE Select); coding-DNA position 55, G replaced by A.
Protein change: p.Ala19Thr; replaces alanine 19 with threonine.
Molecular consequence: missense variant.
Genome position (GRCh38, 1-based): chr3:123,448,491, C>T on the plus strand (G>A on the coding strand, the complement: ADCY5 is on the minus strand). VCF-style: chr3-123448491-C-T. GRCh37 (hg19) VCF-style: chr3-123167338-C-T.
Other names: c.55G>A, p.Ala19Thr (NM_001378259.1); short protein forms A19T.
Identifiers: ClinVar variation 702583 (VCV000702583.47), dbSNP rs550254165, ClinGen allele CA2577747.